The following is an entry in ClinVar:

ClinVar aggregate classification (germline): Uncertain significance (1 of 4 stars; one submission).

Allele frequency attached by ClinVar (database versions not stated): gnomAD 0.00001; TOPMed 0.00001; ExAC 0.00004.

Submission:

GeneDx
Classification: Uncertain significance. Last evaluated: 2021-01-13. Review status: criteria provided, single submitter. Criteria: GeneDx Variant Classification Process June 2021. Collection method: clinical testing. Allele origin: germline. Affected: yes.
Comment: Not observed at a significant frequency in large population cohorts (Lek et al., 2016); Has not been previously published as pathogenic or benign to our knowledge

NM_001042545.2(LTBP4):c.990C>T (p.Ile330=)

Gene: LTBP4 (latent transforming growth factor beta binding protein 4; plus strand). Cytogenetic location: 19q13.2.
Variant type: single nucleotide variant.
Coding change: c.990C>T on transcript NM_001042545.2 (MANE Select); coding-DNA position 990, C replaced by T.
Protein change: p.Ile330=; no amino-acid change (isoleucine 330 retained).
Molecular consequence: synonymous variant.
Genome position (GRCh38, 1-based): chr19:40,606,525, C>T. VCF-style: chr19-40606525-C-T. GRCh37 (hg19) VCF-style: chr19-41112431-C-T.
Other names: c.1191C>T, p.Ile397= (NM_001042544.1); c.1080C>T, p.Ile360= (NM_003573.2).
Identifiers: ClinVar variation 1313865 (VCV001313865.2), dbSNP rs753186554, ClinGen allele CA9448158.
Genomic context (GRCh38, chr19:40,606,525, plus strand): 5'-CGGGTACACGTGTGTGTGCCCCGACGGCTTTCTGCTCGACTCGTCCCGCAGCAGCTGCAT[C>T]TGTGAGCAACCAGCAGGGAGCTGAGGCTGGGTCCCGCCCTCCCTGCCCTCAGAAGTCCCA-3'
Protein context (NP_001036010.1, residues 320-340): FLLDSSRSSC[Ile330=]SQHVISEAKG